The following is an entry in ClinVar:

ClinVar aggregate classification (germline): Pathogenic (1 of 4 stars; one submission).

Conditions:
Tumor predisposition syndrome 3 (TPDS3). Also called: LONG TELOMERE SYNDROME, POT1-RELATED; POT1 Tumor Predisposition; Glioma susceptibility 9; Melanoma, cutaneous malignant, susceptibility to, 10. Identifiers: Orphanet 618, MedGen C4014476, MONDO:0014368, OMIM 615848.

Submission:

Labcorp Genetics (formerly Invitae), Labcorp
Classification: Pathogenic for Tumor predisposition syndrome 3. Last evaluated: 2021-07-29. Review status: criteria provided, single submitter. Criteria: Invitae Variant Classification Sherloc (09022015). Collection method: clinical testing. Allele origin: germline.
Comment: This variant is not present in population databases (ExAC no frequency). This sequence change creates a premature translational stop signal (p.Tyr223*) in the POT1 gene. It is expected to result in an absent or disrupted protein product. Loss-of-function variants in POT1 are known to be pathogenic (PMID: 32155570). This premature translational stop signal has been observed in individual(s) with mesothelioma and thyroid cancer (PMID: 30975761). For these reasons, this variant has been classified as Pathogenic.

Literature cited by the submitters: PubMed 32155570; PubMed 30975761.

NM_015450.3(POT1):c.669C>G (p.Tyr223Ter)

Gene: POT1 (protection of telomeres 1; minus strand). Cytogenetic location: 7q31.33.
Variant type: single nucleotide variant.
Coding change: c.669C>G on transcript NM_015450.3 (MANE Select); coding-DNA position 669, C replaced by G.
Protein change: p.Tyr223Ter; replaces tyrosine 223 with a stop codon.
Molecular consequence: nonsense. On other transcripts: non-coding transcript variant (3).
Genome position (GRCh38, 1-based): chr7:124,858,990, G>C on the plus strand (C>G on the coding strand, the complement: POT1 is on the minus strand). VCF-style: chr7-124858990-G-C. GRCh37 (hg19) VCF-style: chr7-124499044-G-C.
Other names: c.276C>G, p.Tyr92Ter (NM_001042594.2); short protein forms Y223*, Y92*.
Identifiers: ClinVar variation 1428610 (VCV001428610.7), dbSNP rs1307901642, ClinGen allele CA369056128.